The following is an entry in ClinVar:

NM_004371.4(COPA):c.2644G>T (p.Val882Leu)

Gene: COPA (coat protein complex I subunit alpha; minus strand). Cytogenetic location: 1q23.2.
Variant type: single nucleotide variant.
Coding change: c.2644G>T on transcript NM_004371.4 (MANE Select); coding-DNA position 2644, G replaced by T.
Protein change: p.Val882Leu; replaces valine 882 with leucine.
Molecular consequence: missense variant.
Genome position (GRCh38, 1-based): chr1:160,294,516, C>A on the plus strand (G>T on the coding strand, the complement: COPA is on the minus strand). VCF-style: chr1-160294516-C-A. GRCh37 (hg19) VCF-style: chr1-160264306-C-A.
Other names: c.2671G>T, p.Val891Leu (NM_001098398.2); short protein forms V882L, V891L.
Identifiers: ClinVar variation 4743554 (VCV004743554.1).
Genomic context (GRCh38, chr1:160,294,516, plus strand): 5'-ACCTTCTAAGGGTACAAATTCCACATACCAGCTCAGGAGGGAGCTCCAGATCTTCTTCTA[C>A]ATCCCAGCCACCTCCTTCTTCCTGTCCCTTGCCAAGAGCATCATCCCCCAAACCTTCTGT-3'
Protein context (NP_004362.2, residues 872-892): KGQEEGGGWD[Val882Leu]EEDLELPPEL

ClinVar aggregate classification (germline): Uncertain significance (1 of 4 stars; one submission).

Conditions:
Autoimmune interstitial lung disease-arthritis syndrome. Also called: Autoinflammation and autoimmunity, systemic, with immune dysregulation. Identifiers: Orphanet 444092, MedGen C5975714, MONDO:0014629.

Submission:

Labcorp Genetics (formerly Invitae), Labcorp
Classification: Uncertain significance for Autoimmune interstitial lung disease-arthritis syndrome. Last evaluated: 2025-08-20. Review status: criteria provided, single submitter. Criteria: Invitae Variant Classification Sherloc (09022015). Collection method: clinical testing. Allele origin: germline.
Comment: This sequence change replaces valine, which is neutral and non-polar, with leucine, which is neutral and non-polar, at codon 882 of the COPA protein (p.Val882Leu). This variant is not present in population databases (gnomAD no frequency). This variant has not been reported in the literature in individuals affected with COPA-related conditions. Invitae Evidence Modeling of protein sequence and biophysical properties (such as structural, functional, and spatial information, amino acid conservation, physicochemical variation, residue mobility, and thermodynamic stability) indicates that this missense variant is not expected to disrupt COPA protein function with a negative predictive value of 80%. In summary, the available evidence is currently insufficient to determine the role of this variant in disease. Therefore, it has been classified as a Variant of Uncertain Significance.